The following is an entry in ClinVar:

NM_002470.4(MYH3):c.1067C>T (p.Ala356Val)

Gene: MYH3 (myosin heavy chain 3; minus strand). Cytogenetic location: 17p13.1.
Variant type: single nucleotide variant.
Coding change: c.1067C>T on transcript NM_002470.4 (MANE Select); coding-DNA position 1067, C replaced by T.
Protein change: p.Ala356Val; replaces alanine 356 with valine.
Molecular consequence: missense variant.
Genome position (GRCh38, 1-based): chr17:10,645,781, G>A on the plus strand (C>T on the coding strand, the complement: MYH3 is on the minus strand). VCF-style: chr17-10645781-G-A. GRCh37 (hg19) VCF-style: chr17-10549098-G-A.
Other names: short protein forms A356V.
Identifiers: ClinVar variation 4528176 (VCV004528176.1).

ClinVar aggregate classification (germline): Uncertain significance (1 of 4 stars; one submission).

gnomAD v4.1: 1 of 1,613,860 alleles (0.000062%); highest among the groups gnomAD compares: Non-Finnish European, 0.000085%; no homozygotes.

Submission:

GeneDx
Classification: Uncertain significance. Last evaluated: 2025-05-08. Review status: criteria provided, single submitter. Criteria: GeneDx Variant Classification Process June 2021. Collection method: clinical testing. Allele origin: germline. Affected: yes.
Comment: Not observed at significant frequency in large population cohorts (gnomAD); In silico analysis supports that this missense variant has a deleterious effect on protein structure/function; Has not been previously published as pathogenic or benign to our knowledge